The following is an entry in ClinVar:

NM_001036.6(RYR3):c.1079G>A (p.Ser360Asn)

Gene: RYR3 (ryanodine receptor 3; plus strand). Cytogenetic location: 15q14.
Variant type: single nucleotide variant.
Coding change: c.1079G>A on transcript NM_001036.6 (MANE Select); coding-DNA position 1079, G replaced by A.
Protein change: p.Ser360Asn; replaces serine 360 with asparagine.
Molecular consequence: missense variant.
Genome position (GRCh38, 1-based): chr15:33,562,943, G>A. VCF-style: chr15-33562943-G-A. GRCh37 (hg19) VCF-style: chr15-33855144-G-A.
Other names: c.1079G>A, p.Ser360Asn (NM_001243996.4); short protein forms S360N.
Identifiers: ClinVar variation 858887 (VCV000858887.7), dbSNP rs868124984, ClinGen allele CA268547431.

ClinVar aggregate classification (germline): Uncertain significance (1 of 4 stars; one submission).

Conditions:
Epileptic encephalopathy. Identifiers: MedGen C0543888, HP:0200134.

Submission:

Labcorp Genetics (formerly Invitae), Labcorp
Classification: Uncertain significance for Epileptic encephalopathy. Last evaluated: 2021-08-27. Review status: criteria provided, single submitter. Criteria: Invitae Variant Classification Sherloc (09022015). Collection method: clinical testing. Allele origin: germline.
Comment: This sequence change replaces serine with asparagine at codon 360 of the RYR3 protein (p.Ser360Asn). The serine residue is moderately conserved and there is a small physicochemical difference between serine and asparagine. This variant is not present in population databases (ExAC no frequency). This variant has not been reported in the literature in individuals affected with RYR3-related conditions. Algorithms developed to predict the effect of missense changes on protein structure and function are either unavailable or do not agree on the potential impact of this missense change (SIFT: "Deleterious"; PolyPhen-2: "Benign"; Align-GVGD: "Class C0"). In summary, the available evidence is currently insufficient to determine the role of this variant in disease. Therefore, it has been classified as a Variant of Uncertain Significance.